The following is an entry in ClinVar:

NM_000057.4(BLM):c.2291A>G (p.Tyr764Cys)

Gene: BLM (BLM RecQ like helicase; plus strand). Cytogenetic location: 15q26.1.
Variant type: single nucleotide variant.
Coding change: c.2291A>G on transcript NM_000057.4 (MANE Select); coding-DNA position 2291, A replaced by G.
Protein change: p.Tyr764Cys; replaces tyrosine 764 with cysteine.
Molecular consequence: missense variant.
Genome position (GRCh38, 1-based): chr15:90,767,007, A>G. VCF-style: chr15-90767007-A-G. GRCh37 (hg19) VCF-style: chr15-91310237-A-G.
Other names: c.2291A>G, p.Tyr764Cys (NM_001287246.2, NM_001287247.2); c.1166A>G, p.Tyr389Cys (NM_001287248.2); short protein forms Y389C, Y764C.
Identifiers: ClinVar variation 2891761 (VCV002891761.3), dbSNP rs2505447548, ClinGen allele CA393844973.

ClinVar aggregate classification (germline): Uncertain significance (1 of 4 stars; one submission).

Conditions:
Bloom syndrome (BLM). Also called: Bloom-Torre-Machacek syndrome. Identifiers: Orphanet 125, MedGen C0005859, MONDO:0008876, OMIM 210900.

Submission:

Labcorp Genetics (formerly Invitae), Labcorp
Classification: Uncertain significance for Bloom syndrome. Last evaluated: 2023-10-17. Review status: criteria provided, single submitter. Criteria: Invitae Variant Classification Sherloc (09022015). Collection method: clinical testing. Allele origin: germline.
Comment: This sequence change replaces tyrosine, which is neutral and polar, with cysteine, which is neutral and slightly polar, at codon 764 of the BLM protein (p.Tyr764Cys). This variant is not present in population databases (gnomAD no frequency). This variant has not been reported in the literature in individuals affected with BLM-related conditions. Advanced modeling of protein sequence and biophysical properties (such as structural, functional, and spatial information, amino acid conservation, physicochemical variation, residue mobility, and thermodynamic stability) performed at Invitae indicates that this missense variant is expected to disrupt BLM protein function. In summary, the available evidence is currently insufficient to determine the role of this variant in disease. Therefore, it has been classified as a Variant of Uncertain Significance.